The following is an entry in ClinVar:

ClinVar aggregate classification (germline): Uncertain significance (1 of 4 stars; one submission).

Conditions:
Aortic aneurysm, familial thoracic 7 (AAT7). Also called: AORTIC DISSECTION, FAMILIAL, WITH OR WITHOUT AORTIC ANEURYSM. Identifiers: MedGen C3151077, MONDO:0013418, OMIM 613780.

Submission:

Labcorp Genetics (formerly Invitae), Labcorp
Classification: Uncertain significance for Aortic aneurysm, familial thoracic 7. Last evaluated: 2021-12-21. Review status: criteria provided, single submitter. Criteria: Invitae Variant Classification Sherloc (09022015). Collection method: clinical testing. Allele origin: germline.
Comment: In summary, the available evidence is currently insufficient to determine the role of this variant in disease. Therefore, it has been classified as a Variant of Uncertain Significance. Algorithms developed to predict the effect of missense changes on protein structure and function are either unavailable or do not agree on the potential impact of this missense change (SIFT: "Deleterious"; PolyPhen-2: "Benign"; Align-GVGD: "Class C65"). ClinVar contains an entry for this variant (Variation ID: 1015689). This variant has not been reported in the literature in individuals affected with MYLK-related conditions. This variant is not present in population databases (gnomAD no frequency). This sequence change replaces tryptophan, which is neutral and slightly polar, with arginine, which is basic and polar, at codon 656 of the MYLK protein (p.Trp656Arg).

NM_053025.4(MYLK):c.1966T>C (p.Trp656Arg)

Gene: MYLK (myosin light chain kinase; minus strand). Cytogenetic location: 3q21.1.
Variant type: single nucleotide variant.
Coding change: c.1966T>C on transcript NM_053025.4 (MANE Select); coding-DNA position 1966, T replaced by C.
Protein change: p.Trp656Arg; replaces tryptophan 656 with arginine.
Molecular consequence: missense variant.
Genome position (GRCh38, 1-based): chr3:123,708,872, A>G on the plus strand (T>C on the coding strand, the complement: MYLK is on the minus strand). VCF-style: chr3-123708872-A-G. GRCh37 (hg19) VCF-style: chr3-123427719-A-G.
Other names: c.1438T>C, p.Trp480Arg (NM_001321309.2); c.1759T>C, p.Trp587Arg (NM_053026.4, NM_053028.4); c.1966T>C, p.Trp656Arg (NM_053027.4); short protein forms W480R, W587R, W656R.
Identifiers: ClinVar variation 1015689 (VCV001015689.8), dbSNP rs2061567604, ClinGen allele CA354234569.